The following is an entry in ClinVar:

ClinVar aggregate classification (germline): Likely benign (0 of 4 stars; one submission).

Conditions:
TNK2-related disorder. Also called: TNK2-related condition.

Allele frequency attached by ClinVar (database versions not stated): TOPMed below 0.00001; gnomAD 0.00001; gnomAD exomes 0.00002; 1000 Genomes Project 30x 0.00016; ExAC 0.00016; 1000 Genomes Project 0.00040.
gnomAD v4.1: 26 of 1,550,838 alleles (0.0017%); highest among the groups gnomAD compares: South Asian, 0.029%; no homozygotes.

Submission:

PreventionGenetics, part of Exact Sciences
Classification: Likely benign for TNK2-related condition. Last evaluated: 2019-05-08. Review status: no assertion criteria provided. Collection method: clinical testing. Allele origin: germline.
Comment: This variant is classified as likely benign based on ACMG/AMP sequence variant interpretation guidelines (Richards et al. 2015 PMID: 25741868, with internal and published modifications).

NM_001382273.1(TNK2):c.1821G>A (p.Leu607=)

Gene: TNK2 (tyrosine kinase non receptor 2; minus strand). Cytogenetic location: 3q29.
Variant type: single nucleotide variant.
Coding change: c.1821G>A on transcript NM_001382273.1 (MANE Select); coding-DNA position 1821, G replaced by A.
Protein change: p.Leu607=; no amino-acid change (leucine 607 retained).
Molecular consequence: synonymous variant. On other transcripts: non-coding transcript variant (15).
Genome position (GRCh38, 1-based): chr3:195,868,477, C>T on the plus strand (G>A on the coding strand, the complement: TNK2 is on the minus strand). VCF-style: chr3-195868477-C-T. GRCh37 (hg19) VCF-style: chr3-195595348-C-T.
Other names: c.1893G>A, p.Leu631= (NM_001010938.2, NM_001382272.1); c.1872G>A, p.Leu624= (NM_001308046.2, NM_001382271.1); c.1821G>A, p.Leu607= (NM_001382274.1, NM_001387716.1, NM_001387717.1 and 1 more transcripts); c.1917G>A, p.Leu639= (NM_001382275.1, NM_001387707.1); c.1776G>A, p.Leu592= (NM_001386164.1, NM_001387709.1, NM_001387710.1 and 8 more transcripts); c.1848G>A, p.Leu616= (NM_001387708.1, NM_001387715.1).
Identifiers: ClinVar variation 3037174 (VCV003037174.2), dbSNP rs542737628, ClinGen allele CA2776183.